The following is an entry in ClinVar:

ClinVar aggregate classification (germline): Pathogenic. Review status: criteria provided, multiple submitters, no conflicts (2 of 4 stars). 2 submissions from 2 submitters: Pathogenic (2). Last evaluated 2025-05-03.

Conditions:
Mucolipidosis type II. Also called: ML II ALPHA/BETA; Mucolipidosis II Alpha/Beta; Mucolipidosis 2; ML 2; Inclusion cell disease; Leroy Disease. Identifiers: Orphanet 576, MedGen C2673377, MONDO:0009650, OMIM 252500.
Pseudo-Hurler polydystrophy. Also called: ML III; ML III ALPHA/BETA; MUCOLIPIDOSIS IIIA; Type III Mucolipidosis; ML IIIA; Mucolipidosis III Alpha/Beta. Identifiers: Orphanet 423461, Orphanet 577, MedGen C0033788, MONDO:0018931, OMIM 252600.
GNPTAB-mucolipidosis. Also called: UDP-N-acetylglucosamine-1-phosphotransferase subunit alpha/beta deficiency. Identifiers: MedGen CN322573, MONDO:0100122.

Submissions (2):

Myriad Genetics, Inc.
Classification: Pathogenic for GNPTAB-mucolipidosis. Last evaluated: 2025-05-03. Review status: criteria provided, single submitter. Criteria: Myriad Autosomal Dominant, Autosomal Recessive and X-Linked Classification Criteria (2023). Collection method: clinical testing. Allele origin: unknown.
Comment: NM_024312.4(GNPTAB):c.2972dupT(M991Ifs*25) is expected to be pathogenic in the context of GNPTAB-related disorders. This variant is predicted to lead to an abnormal or absent protein product due to the creation of a premature termination codon in GNPTAB, a gene where loss-of-function variants are known to be pathogenic. Please note: this variant was assessed in the context of healthy population screening.

Labcorp Genetics (formerly Invitae), Labcorp
Classification: Pathogenic for Pseudo-Hurler polydystrophy; Mucolipidosis type II. Last evaluated: 2023-07-30. Review status: criteria provided, single submitter. Criteria: Invitae Variant Classification Sherloc (09022015). Collection method: clinical testing. Allele origin: germline.
Comment: This variant is not present in population databases (gnomAD no frequency). This premature translational stop signal has been observed in individual(s) with mucolipidosis II alpha/beta (PMID: 33594065). For these reasons, this variant has been classified as Pathogenic. This sequence change creates a premature translational stop signal (p.Met991Ilefs*25) in the GNPTAB gene. It is expected to result in an absent or disrupted protein product. Loss-of-function variants in GNPTAB are known to be pathogenic (PMID: 19617216, 25107912).

Literature cited by the submitters: PubMed 33594065 (cited by Labcorp Genetics (formerly Invitae), Labcorp); PubMed 19617216 (cited by Labcorp Genetics (formerly Invitae), Labcorp); PubMed 25107912 (cited by Labcorp Genetics (formerly Invitae), Labcorp).

NM_024312.5(GNPTAB):c.2972dup (p.Met991fs)

Gene: GNPTAB (N-acetylglucosamine-1-phosphate transferase subunits alpha and beta; minus strand). Cytogenetic location: 12q23.2.
Variant type: Duplication.
Coding change: c.2972dup on transcript NM_024312.5 (MANE Select); coding-DNA position 2972, one base duplicated (T; older notation c.2972dupT).
Protein change: p.Met991fs; shifts the reading frame from methionine 991.
Molecular consequence: frameshift variant.
Genome position (GRCh38, 1-based): chr12:101,761,290, A duplicated on the plus strand (T on the coding strand, the reverse complement: GNPTAB is on the minus strand). VCF-style (leftmost placement, unchanged base first): chr12-101761289-C-CA. GRCh37 (hg19) VCF-style: chr12-102155067-C-CA.
Other names: short protein forms M991fs.
Identifiers: ClinVar variation 2937057 (VCV002937057.4), dbSNP rs2547954440, ClinGen allele CA2695217199.